The following is an entry in ClinVar:

NM_001048174.2(MUTYH):c.1117C>A (p.Leu373Met)

Gene: MUTYH (mutY DNA glycosylase; minus strand). Cytogenetic location: 1p34.1.
Variant type: single nucleotide variant.
Coding change: c.1117C>A on transcript NM_001048174.2 (MANE Select); coding-DNA position 1117, C replaced by A.
Protein change: p.Leu373Met; replaces leucine 373 with methionine.
Molecular consequence: missense variant. On other transcripts: non-coding transcript variant (2).
Genome position (GRCh38, 1-based): chr1:45,331,542, G>T on the plus strand (C>A on the coding strand, the complement: MUTYH is on the minus strand). VCF-style: chr1-45331542-G-T. GRCh37 (hg19) VCF-style: chr1-45797214-G-T.
Other names: c.1117C>A, p.Leu373Met (NM_001048171.2, NM_001048173.2, NM_001293195.2); c.1120C>A, p.Leu374Met (NM_001048172.2); c.1201C>A, p.Leu401Met (NM_001128425.2); c.1162C>A, p.Leu388Met (NM_001293190.2); c.1150C>A, p.Leu384Met (NM_001293191.2); c.841C>A, p.Leu281Met (NM_001293192.2, NM_001293196.2); c.772C>A, p.Leu258Met (NM_001350650.2, NM_001350651.2); c.1192C>A, p.Leu398Met (NM_012222.3); short protein forms L401M, L281M, L373M, L384M, L398M, L374M, L258M, L388M.
Identifiers: ClinVar variation 406843 (VCV000406843.9), dbSNP rs1060501334, ClinGen allele CA16610110.

ClinVar aggregate classification (germline): Uncertain significance. Review status: criteria provided, multiple submitters, no conflicts (2 of 4 stars). 2 submissions from 2 submitters: Uncertain significance (2). Last evaluated 2023-11-02.

Conditions:
Familial adenomatous polyposis 2. Also called: COLORECTAL ADENOMATOUS POLYPOSIS, AUTOSOMAL RECESSIVE; MUTYH Polyposis; MUTYH-associated polyposis; MUTYH-related attenuated familial adenomatous polyposis; Adenomas, multiple colorectal; ADENOMAS, MULTIPLE COLORECTAL, AUTOSOMAL RECESSIVE. Identifiers: Orphanet 220460, Orphanet 247798, MedGen C3272841, MONDO:0012041, OMIM 608456.

gnomAD v4.1: 1 of 1,614,012 alleles (0.000062%); highest among the groups gnomAD compares: Non-Finnish European, 0.000085%; no homozygotes.

Submissions (2):

All of Us Research Program, National Institutes of Health
Classification: Uncertain significance for Familial adenomatous polyposis 2. Last evaluated: 2023-11-02. Review status: criteria provided, single submitter. Criteria: ACMG Guidelines, 2015. Collection method: clinical testing. Allele origin: germline. Inheritance: Autosomal recessive inheritance. Observed: 1 variant allele, 1 heterozygote.
Comment: This missense variant replaces leucine with methionine at codon 401 of the MUTYH protein. Computational prediction is inconclusive regarding the impact of this variant on protein structure and function (internally defined REVEL score threshold 0.5 < inconclusive < 0.7, PMID: 27666373). To our knowledge, functional studies have not been reported for this variant. This variant has not been reported in individuals affected with MUTYH-related disorders in the literature. This variant has not been identified in the general population by the Genome Aggregation Database (gnomAD). The available evidence is insufficient to determine the role of this variant in disease conclusively. Therefore, this variant is classified as a Variant of Uncertain Significance.

This study involves interpretation of variants in research participants for the purpose of population health screening. Participant phenotype was not available at the time of variant classification. Additional details can be found in publication PMID: 35346344, PMCID: PMC8962531

Labcorp Genetics (formerly Invitae), Labcorp
Classification: Uncertain significance for Familial adenomatous polyposis 2. Last evaluated: 2022-02-28. Review status: criteria provided, single submitter. Criteria: Invitae Variant Classification Sherloc (09022015). Collection method: clinical testing. Allele origin: germline.
Comment: In summary, the available evidence is currently insufficient to determine the role of this variant in disease. Therefore, it has been classified as a Variant of Uncertain Significance. Algorithms developed to predict the effect of missense changes on protein structure and function are either unavailable or do not agree on the potential impact of this missense change (SIFT: "Tolerated"; PolyPhen-2: "Possibly Damaging"; Align-GVGD: "Class C0"). ClinVar contains an entry for this variant (Variation ID: 406843). This variant has not been reported in the literature in individuals affected with MUTYH-related conditions. This variant is not present in population databases (gnomAD no frequency). This sequence change replaces leucine, which is neutral and non-polar, with methionine, which is neutral and non-polar, at codon 401 of the MUTYH protein (p.Leu401Met).